The following is an entry in ClinVar:

ClinVar aggregate classification (germline): Uncertain significance (1 of 4 stars; one submission).

Submission:

Ambry Genetics
Classification: Uncertain significance. Last evaluated: 2025-04-05. Review status: criteria provided, single submitter. Criteria: Ambry Variant Classification Scheme 2023. Collection method: clinical testing. Allele origin: germline.
Comment: The p.L310M variant (also known as c.928C>A), located in coding exon 3 of the WNK2 gene, results from a C to A substitution at nucleotide position 928. The leucine at codon 310 is replaced by methionine, an amino acid with highly similar properties. This amino acid position is conserved. In addition, this alteration is predicted to be tolerated by in silico analysis. Based on the available evidence, the clinical significance of this variant remains unclear.

NM_006648.4(WNK2):c.928C>A (p.Leu310Met)

Gene: WNK2 (WNK lysine deficient protein kinase 2; plus strand). Cytogenetic location: 9q22.31.
Variant type: single nucleotide variant.
Coding change: c.928C>A on transcript NM_006648.4 (MANE Select); coding-DNA position 928, C replaced by A.
Protein change: p.Leu310Met; replaces leucine 310 with methionine.
Molecular consequence: missense variant.
Genome position (GRCh38, 1-based): chr9:93,230,961, C>A. VCF-style: chr9-93230961-C-A. GRCh37 (hg19) VCF-style: chr9-95993243-C-A.
Other names: c.928C>A, p.Leu310Met (NM_001282394.3); short protein forms L310M.
Identifiers: ClinVar variation 3981805 (VCV003981805.1).